The following is an entry in ClinVar:

NM_014908.4(DOLK):c.618C>G (p.Asn206Lys)

Gene: DOLK (dolichol kinase; minus strand). Cytogenetic location: 9q34.11.
Variant type: single nucleotide variant.
Coding change: c.618C>G on transcript NM_014908.4 (MANE Select); coding-DNA position 618, C replaced by G.
Protein change: p.Asn206Lys; replaces asparagine 206 with lysine.
Molecular consequence: missense variant.
Genome position (GRCh38, 1-based): chr9:128,946,686, G>C on the plus strand (C>G on the coding strand, the complement: DOLK is on the minus strand). VCF-style: chr9-128946686-G-C. GRCh37 (hg19) VCF-style: chr9-131708965-G-C.
Other names: short protein forms N206K.
Identifiers: ClinVar variation 3504710 (VCV003504710.1).

ClinVar aggregate classification (germline): Uncertain significance (1 of 4 stars; one submission).

Conditions:
Cardiovascular phenotype. Identifiers: MedGen CN230736.

Submission:

Ambry Genetics
Classification: Uncertain significance for Cardiovascular phenotype. Last evaluated: 2024-11-13. Review status: criteria provided, single submitter. Criteria: Ambry Variant Classification Scheme 2023. Collection method: clinical testing. Allele origin: germline.
Comment: The p.N206K variant (also known as c.618C>G), located in coding exon 1 of the DOLK gene, results from a C to G substitution at nucleotide position 618. The asparagine at codon 206 is replaced by lysine, an amino acid with similar properties. This amino acid position is conserved. In addition, the in silico prediction for this alteration is inconclusive. Based on the available evidence, the clinical significance of this variant remains unclear.